The following is an entry in ClinVar:

NM_030967.3(KRTAP1-1):c.234T>C (p.Thr78=)

Gene: KRTAP1-1 (keratin associated protein 1-1; minus strand). Cytogenetic location: 17q21.2.
Variant type: single nucleotide variant.
Coding change: c.234T>C on transcript NM_030967.3 (MANE Select); coding-DNA position 234, T replaced by C.
Protein change: p.Thr78=; no amino-acid change (threonine 78 retained).
Molecular consequence: synonymous variant.
Genome position (GRCh38, 1-based): chr17:41,041,164, A>G on the plus strand (T>C on the coding strand, the complement: KRTAP1-1 is on the minus strand). VCF-style: chr17-41041164-A-G. GRCh37 (hg19) VCF-style: chr17-39197416-A-G.
Identifiers: ClinVar variation 4083878 (VCV004083878.8).

ClinVar aggregate classification (germline): Likely benign (1 of 4 stars; one submission).

Submission:

CeGaT Center for Human Genetics Tuebingen
Classification: Likely benign. Last evaluated: 2025-08-01. Review status: criteria provided, single submitter. Criteria: CeGaT Center For Human Genetics Tuebingen Variant Classification Criteria Version 2. Collection method: clinical testing. Allele origin: germline. Affected: yes. Observed: 1 variant allele.
Comment: KRTAP1-1: PM2:Supporting, BP4, BP7